The following is an entry in ClinVar:

ClinVar aggregate classification (germline): Conflicting classifications of pathogenicity. Review status: criteria provided, conflicting classifications (1 of 4 stars). 2 submissions from 2 submitters: Uncertain significance (1); Likely benign (1). Last evaluated 2026-03-02.

Conditions:
Hereditary cancer-predisposing syndrome. Also called: Tumor predisposition; Hereditary Cancer Syndrome; Hereditary neoplastic syndrome; Neoplastic Syndromes, Hereditary. Identifiers: Orphanet 140162, MedGen C0027672, MeSH D009386, MONDO:0015356.
Tuberous sclerosis 2 (TSC2). Identifiers: Orphanet 805, MedGen C1860707, MONDO:0013199, OMIM 613254.

Submissions (2):

Ambry Genetics
Classification: Uncertain significance for Hereditary cancer-predisposing syndrome. Last evaluated: 2026-03-02. Review status: criteria provided, single submitter. Criteria: Ambry Variant Classification Scheme 2023. Collection method: clinical testing. Allele origin: germline.
Comment: The c.5160+4_5160+7dupAGTG intronic variant, results from a duplication of 4 nucleotides at nucleotide positions 5160+4 to 5160+7 within intron 39 of the TSC2 gene. The duplicated nucleotide region is generally well conserved in available vertebrate species. In silico splice site analysis predicts that this alteration will result in the creation or strengthening of a novel splice donor site. Based on the available evidence, the clinical significance of this variant remains unclear.

Labcorp Genetics (formerly Invitae), Labcorp
Classification: Likely benign for Tuberous sclerosis 2. Last evaluated: 2021-10-07. Review status: criteria provided, single submitter. Criteria: Invitae Variant Classification Sherloc (09022015). Collection method: clinical testing. Allele origin: germline.

NM_000548.5(TSC2):c.5160+4_5160+7dup

Gene: TSC2 (TSC complex subunit 2; plus strand). Cytogenetic location: 16p13.3.
Variant type: Duplication.
Coding change: c.5160+4_5160+7dup on transcript NM_000548.5 (MANE Select); bases 4 to 7 of the intron after coding-DNA position 5160, 4 bases duplicated (AGTG; older notation c.5160+4_5160+7dupAGTG).
Molecular consequence: splice donor variant.
Genome position (GRCh38, 1-based): chr16:2,088,143-2,088,146, AGTG duplicated; duplicating any 4 consecutive bases within chr16:2,088,140-2,088,146 gives the same sequence; the c. name uses the placement nearest the transcript's 3' end. VCF-style (leftmost placement, unchanged base first): chr16-2088139-T-TGTGA. GRCh37 (hg19) VCF-style: chr16-2138140-T-TGTGA.
Other names: c.5091+4_5091+7dup (NM_001114382.3); c.5031+4_5031+7dup (NM_021055.3, NM_001370405.1); c.4962+4_4962+7dup (NM_001363528.2); c.5028+4_5028+7dup (NM_001370404.1); c.4959+4_4959+7dup (NM_001077183.3); c.4851+4_4851+7dup (NM_001318827.2); c.4428+4_4428+7dup (NM_001318831.2); c.4815+4_4815+7dup (NM_001318829.2); and 2 more.
Identifiers: ClinVar variation 1607654 (VCV001607654.9), dbSNP rs1567130394, ClinGen allele CA919640200.